The following is an entry in ClinVar:

ClinVar aggregate classification (germline): Uncertain significance (1 of 4 stars; one submission).

Conditions:
Charcot-Marie-Tooth disease type 2. Also called: Charcot-Marie-Tooth type 2. Identifiers: Orphanet 64746, MedGen C0270914, MONDO:0018993.

Allele frequency attached by ClinVar (database versions not stated): gnomAD exomes 0.00003; TOPMed 0.00002; gnomAD 0.00001; ExAC 0.00002.

Submission:

Labcorp Genetics (formerly Invitae), Labcorp
Classification: Uncertain significance for Charcot-Marie-Tooth disease type 2. Last evaluated: 2025-10-13. Review status: criteria provided, single submitter. Criteria: Invitae Variant Classification Sherloc (09022015). Collection method: clinical testing. Allele origin: germline.
Comment: This sequence change replaces glutamine, which is neutral and polar, with arginine, which is basic and polar, at codon 648 of the AARS protein (p.Gln648Arg). This variant is present in population databases (rs746047868, gnomAD 0.005%). This variant has not been reported in the literature in individuals affected with AARS-related conditions. ClinVar contains an entry for this variant (Variation ID: 1054985). Invitae Evidence Modeling of protein sequence and biophysical properties (such as structural, functional, and spatial information, amino acid conservation, physicochemical variation, residue mobility, and thermodynamic stability) has been performed for this missense variant. However, the output from this modeling did not meet the statistical confidence thresholds required to predict the impact of this variant on AARS protein function. In summary, the available evidence is currently insufficient to determine the role of this variant in disease. Therefore, it has been classified as a Variant of Uncertain Significance.

NM_001605.3(AARS1):c.1943A>G (p.Gln648Arg)

Gene: AARS1 (alanyl-tRNA synthetase 1; minus strand). Cytogenetic location: 16q22.1.
Variant type: single nucleotide variant.
Coding change: c.1943A>G on transcript NM_001605.3 (MANE Select); coding-DNA position 1943, A replaced by G.
Protein change: p.Gln648Arg; replaces glutamine 648 with arginine.
Molecular consequence: missense variant.
Genome position (GRCh38, 1-based): chr16:70,259,029, T>C on the plus strand (A>G on the coding strand, the complement: AARS1 is on the minus strand). VCF-style: chr16-70259029-T-C. GRCh37 (hg19) VCF-style: chr16-70292932-T-C.
Other names: short protein forms Q648R.
Identifiers: ClinVar variation 1054985 (VCV001054985.7), dbSNP rs746047868, ClinGen allele CA8140628.